The following is an entry in ClinVar:

NM_000038.6(APC):c.1239A>G (p.Ile413Met)

Gene: APC (APC regulator of Wnt signaling pathway; plus strand). Cytogenetic location: 5q22.2.
Variant type: single nucleotide variant.
Coding change: c.1239A>G on transcript NM_000038.6 (MANE Select); coding-DNA position 1239, A replaced by G.
Protein change: p.Ile413Met; replaces isoleucine 413 with methionine.
Molecular consequence: missense variant.
Genome position (GRCh38, 1-based): chr5:112,819,271, A>G. VCF-style: chr5-112819271-A-G. GRCh37 (hg19) VCF-style: chr5-112154968-A-G.
Other names: c.1239A>G, p.Ile413Met (NM_001127510.3, NM_001354895.2, NM_001354896.2); c.1185A>G, p.Ile395Met (NM_001127511.3); c.1269A>G, p.Ile423Met (NM_001354897.2); c.1164A>G, p.Ile388Met (NM_001354898.2); c.1155A>G, p.Ile385Met (NM_001354899.2); c.1062A>G, p.Ile354Met (NM_001354900.2, NM_001354901.2); c.966A>G, p.Ile322Met (NM_001354902.2); c.936A>G, p.Ile312Met (NM_001354903.2); and 3 more; short protein forms I130M, I287M, I253M, I385M, I423M, I354M, I395M, I312M.
Identifiers: ClinVar variation 818677 (VCV000818677.10), dbSNP rs899607401, ClinGen allele CA16024016.

ClinVar aggregate classification (germline): Uncertain significance. Review status: criteria provided, multiple submitters, no conflicts (2 of 4 stars). 3 submissions from 3 submitters: Uncertain significance (3). Last evaluated 2026-09-08.

Conditions:
APC-related disorder. Also called: APC-related condition.
Familial adenomatous polyposis 1 (FAP1). Also called: POLYPOSIS, ADENOMATOUS INTESTINAL; FAMILIAL ADENOMATOUS POLYPOSIS 1, ATTENUATED. Identifiers: MedGen C2713442, MONDO:0021056, OMIM 175100. Disease mechanism: loss of function.
Hereditary cancer-predisposing syndrome. Also called: Neoplastic Syndromes, Hereditary; Hereditary Cancer Syndrome; Tumor predisposition; Hereditary neoplastic syndrome. Identifiers: Orphanet 140162, MedGen C0027672, MeSH D009386, MONDO:0015356.

Submissions (3):

PreventionGenetics, part of Exact Sciences
Classification: Uncertain significance for APC-related condition. Last evaluated: 2026-09-08. Review status: criteria provided, single submitter. Criteria: ACMG Guidelines, 2015. Collection method: clinical testing. Allele origin: germline.
Comment: The APC c.1239A>G variant is predicted to result in the amino acid substitution p.Ile413Met. To our knowledge, this variant has not been reported in the literature or in a large population database (gnomAD), indicating this variant is rare. This variant is classified as uncertain significance in ClinVar (Variation ID: 818677). At this time, the clinical significance of this variant is uncertain due to the absence of conclusive functional and genetic evidence.

Labcorp Genetics (formerly Invitae), Labcorp
Classification: Uncertain significance for Familial adenomatous polyposis 1. Last evaluated: 2024-04-24. Review status: criteria provided, single submitter. Criteria: Invitae Variant Classification Sherloc (09022015). Collection method: clinical testing. Allele origin: germline.
Comment: This sequence change replaces isoleucine, which is neutral and non-polar, with methionine, which is neutral and non-polar, at codon 413 of the APC protein (p.Ile413Met). This variant is not present in population databases (gnomAD no frequency). This variant has not been reported in the literature in individuals affected with APC-related conditions. ClinVar contains an entry for this variant (Variation ID: 818677). Advanced modeling of protein sequence and biophysical properties (such as structural, functional, and spatial information, amino acid conservation, physicochemical variation, residue mobility, and thermodynamic stability) performed at Invitae indicates that this missense variant is not expected to disrupt APC protein function with a negative predictive value of 95%. In summary, the available evidence is currently insufficient to determine the role of this variant in disease. Therefore, it has been classified as a Variant of Uncertain Significance.

Ambry Genetics
Classification: Uncertain significance for Hereditary cancer-predisposing syndrome. Last evaluated: 2019-11-28. Review status: criteria provided, single submitter. Criteria: Ambry Variant Classification Scheme 2023. Collection method: clinical testing. Allele origin: germline.
Comment: The p.I413M variant (also known as c.1239A>G), located in coding exon 9 of the APC gene, results from an A to G substitution at nucleotide position 1239. The isoleucine at codon 413 is replaced by methionine, an amino acid with highly similar properties. This amino acid position is well conserved in available vertebrate species. In addition, in silico predictors for this gene do not accurately predict pathogenicity. Since supporting evidence is limited at this time, the clinical significance of this alteration remains unclear.